The following continues an entry in ClinVar:

NM_000203.5(IDUA):c.386-2A>G

Gene: IDUA. ClinVar aggregate classification (germline): Pathogenic. Pathogenic (1).

Submissions 10 to 16 of 16:

Broad Center for Mendelian Genomics, Broad Institute of MIT and Harvard
Classification: Pathogenic for Mucopolysaccharidosis type 1. Last evaluated: 2020-01-13. Review status: criteria provided, single submitter. Criteria: ACMG Guidelines, 2015. Collection method: curation. Allele origin: germline. Inheritance: Autosomal recessive inheritance. Not counted in ClinVar's aggregate classification.
Comment: The c.386-2A>G variant in IDUA (also known as c.474-2A>G due to a difference in cDNA numbering) has been reported in at least 6 individuals with mucopolysaccharidosis (MPS) (PMID: 28752568, 24368159, 11735025, 8019563) and has been identified in 0.008% (9/112774) of European (non-Finnish) chromosomes. Although this variant has been seen in the general population, its frequency is low enough to be consistent with a recessive carrier frequency. This variant has also been reported in ClinVar (VariationID: 222994) as pathogenic by Invitae, Counsyl, and GeneReviews. Functional studies demonstrating that the variant causes exon skipping provide some evidence that the c.386-2A>G variant may slightly impact protein function (PMID: 8019563). However, these types of assays may not accurately represent biological function. This variant occurs in the invariant region (+/- 1/2) of the splice consensus sequence and is predicted to cause altered splicing leading to an abnormal or absent protein. Loss of function of the IDUA gene is an established disease mechanism in autosomal recessive MPS. The presence of this variant in combination with 4 reported pathogenic variants in individuals with MPS increases the likelihood that the c.386-2A>G variant is pathogenic (PMID: 24368159, 11735025, 8019563). The phenotype of an individual heterozygous for this variant is highly specific for MPS based on undetectable iduronidase activity, consistent with disease (PMID: 28752568). In summary, this variant meets criteria to be classified as pathogenic for IDUA in an autosomal recessive manner based on the prediction that it causes loss of function of the IDUA gene, the presence of the variant in combination with other pathogenic variants in affected individuals, and functional studies. ACMG/AMP Criteria applied: PM3_strong, PM2, PVS1_moderate, PS3_supporting, PP4 (Richards 2015).

Counsyl
Classification: Pathogenic for Hurler syndrome. Last evaluated: 2017-04-20. Review status: no assertion criteria provided. Collection method: clinical testing. Allele origin: unknown. Not counted in ClinVar's aggregate classification.

Clinical Genetics DNA and cytogenetics Diagnostics Lab, Erasmus MC, Erasmus Medical Center
Classification: Pathogenic. Review status: no assertion criteria provided. Collection method: clinical testing. Allele origin: germline. Affected: yes. Study: VKGL Data-share Consensus. Not counted in ClinVar's aggregate classification.

Dr. Peter K. Rogan Lab, Western University
No classification provided (evidence only). Condition: Colon adenocarcinoma. Review status: no classification provided. Collection method: in vitro. Allele origin: not applicable. Functional consequence: skipped exon, retained intron. Not counted in ClinVar's aggregate classification.

Dr. Peter K. Rogan Lab, Western University
No classification provided (evidence only). Condition: Thyroid cancer, nonmedullary, 1. Review status: no classification provided. Collection method: in vitro. Allele origin: not applicable. Functional consequence: skipped exon. Not counted in ClinVar's aggregate classification.

Dr. Peter K. Rogan Lab, Western University
No classification provided (evidence only). Condition: Ovarian serous cystadenocarcinoma. Review status: no classification provided. Collection method: in vitro. Allele origin: not applicable. Functional consequence: retained intron. Not counted in ClinVar's aggregate classification.

Joint Genome Diagnostic Labs from Nijmegen and Maastricht, Radboudumc and MUMC+
Classification: Pathogenic. Review status: no assertion criteria provided. Collection method: clinical testing. Allele origin: germline. Affected: yes. Study: VKGL Data-share Consensus. Not counted in ClinVar's aggregate classification.

Literature cited by the submitters: PubMed 8019563 (cited by Labcorp Genetics (formerly Invitae), Labcorp and Broad Center for Mendelian Genomics, Broad Institute of MIT and Harvard); PubMed 11735025 (cited by 3 submitters); PubMed 23837464 (cited by Labcorp Genetics (formerly Invitae), Labcorp and Counsyl); PubMed 24368159 (cited by Labcorp Genetics (formerly Invitae), Labcorp and Broad Center for Mendelian Genomics, Broad Institute of MIT and Harvard); PubMed 31304092 (cited by Natera, Inc.); PubMed 28752568 (cited by 3 submitters); PubMed 9748610 (cited by Women's Health and Genetics/Laboratory Corporation of America, LabCorp).